The following is an entry in ClinVar:

ClinVar aggregate classification (germline): Uncertain significance (1 of 4 stars; one submission).

Conditions:
Inborn genetic diseases. Identifiers: MedGen C0950123, MeSH D030342.

Submission:

Ambry Genetics
Classification: Uncertain significance for Inborn genetic diseases. Last evaluated: 2026-03-11. Review status: criteria provided, single submitter. Criteria: Ambry Variant Classification Scheme 2023. Collection method: clinical testing. Allele origin: germline.
Comment: The p.Q410R variant (also known as c.1229A>G), located in coding exon 11 of the DDX41 gene, results from an A to G substitution at nucleotide position 1229. The glutamine at codon 410 is replaced by arginine, an amino acid with highly similar properties. This amino acid position is conserved. In addition, this alteration is predicted to be deleterious by in silico analysis. Based on the available evidence, the clinical significance of this variant remains unclear.

NM_016222.4(DDX41):c.1229A>G (p.Gln410Arg)

Gene: DDX41 (DEAD-box helicase 41; minus strand). Cytogenetic location: 5q35.3.
Variant type: single nucleotide variant.
Coding change: c.1229A>G on transcript NM_016222.4 (MANE Select); coding-DNA position 1229, A replaced by G.
Protein change: p.Gln410Arg; replaces glutamine 410 with arginine.
Molecular consequence: missense variant.
Genome position (GRCh38, 1-based): chr5:177,513,354, T>C on the plus strand (A>G on the coding strand, the complement: DDX41 is on the minus strand). VCF-style: chr5-177513354-T-C. GRCh37 (hg19) VCF-style: chr5-176940355-T-C.
Other names: c.851A>G, p.Gln284Arg (NM_001321732.2, NM_001321830.2); short protein forms Q410R, Q284R.
Identifiers: ClinVar variation 4826048 (VCV004826048.1).
Genomic context (GRCh38, chr5:177,513,354, plus strand): 5'-AGACTTGTCAGATCCAGCCCCCACAGGTGAGAGACCGCCCATCAGGAGCACCTGCCCACC[T>C]GGATGACATCCAGGCTGGCAGCCCCAGCGCGCCCCACATTGATGGTCACAGGCTTTACAA-3'
Protein context (NP_057306.2, residues 400-420): RAGAASLDVI[Gln410Arg]EVEYVKEEAK